The following is an entry in ClinVar:

NM_020822.3(KCNT1):c.1337+7G>A

Gene: KCNT1 (potassium sodium-activated channel subfamily T member 1; plus strand). Cytogenetic location: 9q34.3.
Variant type: single nucleotide variant.
Coding change: c.1337+7G>A on transcript NM_020822.3 (MANE Select); 7 bases into the intron after coding-DNA position 1337, G replaced by A.
Molecular consequence: intron variant.
Genome position (GRCh38, 1-based): chr9:135,765,767, G>A. VCF-style: chr9-135765767-G-A. GRCh37 (hg19) VCF-style: chr9-138657613-G-A.
Other names: c.1202+7G>A (NM_001272003.2).
Identifiers: ClinVar variation 385081 (VCV000385081.51), dbSNP rs374975940, ClinGen allele CA5326851.
Genomic context (GRCh38, chr9:135,765,767, plus strand): 5'-GGTCATCTACCTCCAGGGCTCTGCACTCAAAGACCAGGACCTCATGCGAGCCAAGTGAGT[G>A]CTGGTGGGCGGAGGGGGTGGCATGGGGGCACCTTCCTGAGTCAGGTCGGCTGCTCAGGGC-3'

ClinVar aggregate classification (germline): Likely benign. Review status: criteria provided, multiple submitters, no conflicts (2 of 4 stars). 3 submissions from 3 submitters: Likely benign (3). Last evaluated 2025-08-14.

Conditions:
Developmental and epileptic encephalopathy, 14 (DEE14). Also called: Early infantile epileptic encephalopathy 14. Identifiers: Orphanet 293181, MedGen C3554195, MONDO:0013989, OMIM 614959.
Autosomal dominant nocturnal frontal lobe epilepsy 5. Also called: CILIARY DYSKINESIA, PRIMARY, 28, WITHOUT SITUS INVERSUS; CILIARY DYSKINESIA, PRIMARY, 28, WITH SITUS INVERSUS; KCNT1-Related Epilepsy; Epilepsy, nocturnal frontal lobe, 5. Identifiers: Orphanet 98784, MedGen C3554306, MONDO:0014002, OMIM 615005.

Allele frequency attached by ClinVar (database versions not stated): ExAC 0.00004; gnomAD 0.00005; gnomAD exomes 0.00005; ESP Exome Variant Server 0.00008; TOPMed 0.00008.
gnomAD v4.1: 79 of 1,590,576 alleles (0.005%); highest among the groups gnomAD compares: Non-Finnish European, 0.0065%; 1 homozygote.

Submissions (3):

Labcorp Genetics (formerly Invitae), Labcorp
Classification: Likely benign for Autosomal dominant nocturnal frontal lobe epilepsy 5; Developmental and epileptic encephalopathy, 14. Last evaluated: 2025-08-14. Review status: criteria provided, single submitter. Criteria: Invitae Variant Classification Sherloc (09022015). Collection method: clinical testing. Allele origin: germline.

CeGaT Center for Human Genetics Tuebingen
Classification: Likely benign. Last evaluated: 2022-05-01. Review status: criteria provided, single submitter. Criteria: CeGaT Center For Human Genetics Tuebingen Variant Classification Criteria Version 2. Collection method: clinical testing. Allele origin: germline. Affected: yes. Observed: 2 variant alleles.
Comment: KCNT1: BP4, BS2

GeneDx
Classification: Likely benign. Last evaluated: 2016-04-05. Review status: criteria provided, single submitter. Criteria: GeneDx Variant Classification (06012015). Collection method: clinical testing. Allele origin: germline. Affected: yes.
Comment: This variant is considered likely benign or benign based on one or more of the following criteria: it is a conservative change, it occurs at a poorly conserved position in the protein, it is predicted to be benign by multiple in silico algorithms, and/or has population frequency not consistent with disease.